The following is an entry in ClinVar:

ClinVar aggregate classification (germline): Uncertain significance (1 of 4 stars; one submission).

Conditions:
Congenital myasthenic syndrome 12 (CMS12). Also called: MYASTHENIC SYNDROME, CONGENITAL, WITH TUBULAR AGGREGATES 1; Myasthenia, congenital, 12, with tubular aggregates. Identifiers: Orphanet 353327, Orphanet 590, MedGen C3552335, MONDO:0012518, OMIM 610542.

Submission:

Labcorp Genetics (formerly Invitae), Labcorp
Classification: Uncertain significance for Congenital myasthenic syndrome 12. Last evaluated: 2021-12-02. Review status: criteria provided, single submitter. Criteria: Invitae Variant Classification Sherloc (09022015). Collection method: clinical testing. Allele origin: germline.
Comment: In summary, the available evidence is currently insufficient to determine the role of this variant in disease. Therefore, it has been classified as a Variant of Uncertain Significance. Algorithms developed to predict the effect of missense changes on protein structure and function are either unavailable or do not agree on the potential impact of this missense change (SIFT: "Deleterious"; PolyPhen-2: "Possibly Damaging"; Align-GVGD: "Class C0"). This variant has not been reported in the literature in individuals affected with GFPT1-related conditions. This variant is not present in population databases (gnomAD no frequency). This sequence change replaces leucine, which is neutral and non-polar, with valine, which is neutral and non-polar, at codon 217 of the GFPT1 protein (p.Leu217Val).

NM_001244710.2(GFPT1):c.649C>G (p.Leu217Val)

Gene: GFPT1 (glutamine--fructose-6-phosphate transaminase 1; minus strand). Cytogenetic location: 2p13.3.
Variant type: single nucleotide variant.
Coding change: c.649C>G on transcript NM_001244710.2 (MANE Select); coding-DNA position 649, C replaced by G.
Protein change: p.Leu217Val; replaces leucine 217 with valine.
Molecular consequence: missense variant.
Genome position (GRCh38, 1-based): chr2:69,354,525, G>C on the plus strand (C>G on the coding strand, the complement: GFPT1 is on the minus strand). VCF-style: chr2-69354525-G-C. GRCh37 (hg19) VCF-style: chr2-69581657-G-C.
Other names: c.649C>G, p.Leu217Val (NM_002056.4); short protein forms L217V.
Identifiers: ClinVar variation 1396065 (VCV001396065.6), dbSNP rs2104648017, ClinGen allele CA347130008.
Genomic context (GRCh38, chr2:69,354,525, plus strand): 5'-CTGCATTTGTAGAGGTAATTTTACCTGTTCTGTAGAGTATAGGAATGTGATCAGTAGAAA[G>C]TTTATGTTCACTCCGTACACCAATCAACAGAGGGCTACCTCGCCTGTAAATTGCAAAAGC-3'
Protein context (NP_001231639.1, residues 207-227): LLIGVRSEHK[Leu217Val]STDHIPILYR